The following is an entry in ClinVar:

ClinVar aggregate classification (germline): Uncertain significance. Review status: criteria provided, multiple submitters, no conflicts (2 of 4 stars). 5 submissions from 5 submitters: Uncertain significance (4). 1 of the submissions does not count toward it. Last evaluated 2026-10-01.

Conditions:
DICER1-related disorder. Also called: DICER1-related condition.
DICER1-related tumor predisposition. Also called: DICER1-related pleuropulmonary blastoma cancer predisposition syndrome; DICER1 syndrome. Identifiers: Orphanet 284343, MedGen C3839822, MONDO:0100216.
Hereditary cancer-predisposing syndrome. Also called: Hereditary neoplastic syndrome; Tumor predisposition; Neoplastic Syndromes, Hereditary; Hereditary Cancer Syndrome. Identifiers: Orphanet 140162, MedGen C0027672, MeSH D009386, MONDO:0015356.
Pleuropulmonary blastoma (PPB). Identifiers: Orphanet 64742, MedGen C1266144, MONDO:0011014, OMIM 601200, HP:0100528.

Allele frequency attached by ClinVar (database versions not stated): gnomAD exomes below 0.00001; gnomAD 0.00001.
gnomAD v4.1: 7 of 1,613,880 alleles (0.00043%); highest among the groups gnomAD compares: Admixed American, 0.0017%; no homozygotes.

Submissions (5):

St. Jude Molecular Pathology, St. Jude Children's Research Hospital
Classification: Uncertain significance for Pleuropulmonary blastoma. Last evaluated: 2026-10-01. Review status: criteria provided, single submitter. Criteria: St. Jude Assertion Criteria 2020. Collection method: clinical testing. Allele origin: germline.
Comment: The DICER1 c.1469G>A p.(Arg490His) missense change has a maximum subpopulation frequency o f 0.00042% in gnomAD v4.1.1. The in silico tool REVEL predicts a benign effect on protein function and no splicing effects are predicted, but to our knowledge these predictions have not been confirmed by functional st udies. To our knowledge, this variant has not been reported in individuals with DICER1 syndrome. In summary, the evidence currently available is insufficient to determine the clinical significance of this variant. It has therefore been classified as of u ncertain significance.

Labcorp Genetics (formerly Invitae), Labcorp
Classification: Uncertain significance for DICER1-related tumor predisposition. Last evaluated: 2025-09-16. Review status: criteria provided, single submitter. Criteria: Invitae Variant Classification Sherloc (09022015). Collection method: clinical testing. Allele origin: germline.
Comment: This sequence change replaces arginine, which is basic and polar, with histidine, which is basic and polar, at codon 490 of the DICER1 protein (p.Arg490His). This variant is present in population databases (no rsID available, gnomAD 0.003%). This variant has not been reported in the literature in individuals affected with DICER1-related conditions. ClinVar contains an entry for this variant (Variation ID: 477044). Invitae Evidence Modeling of protein sequence and biophysical properties (such as structural, functional, and spatial information, amino acid conservation, physicochemical variation, residue mobility, and thermodynamic stability) indicates that this missense variant is not expected to disrupt DICER1 protein function with a negative predictive value of 95%. In summary, the available evidence is currently insufficient to determine the role of this variant in disease. Therefore, it has been classified as a Variant of Uncertain Significance.

Ambry Genetics
Classification: Uncertain significance for Hereditary cancer-predisposing syndrome. Last evaluated: 2025-08-10. Review status: criteria provided, single submitter. Criteria: Ambry Variant Classification Scheme 2023. Collection method: clinical testing. Allele origin: germline.

Sema4
Classification: Uncertain significance for Hereditary cancer-predisposing syndrome. Last evaluated: 2022-01-21. Review status: criteria provided, single submitter. Criteria: Sema4 Curation Guidelines. Collection method: curation. Allele origin: germline.
Comment: To the best of our knowledge, the DICER1 c.1469G>A (p.R490H) variant has not been reported in individuals with DICER1-related disease. It was observed in 1/35436 chromosomes of the Latino subpopulation in the large and broad cohorts of the Genome Aggregation Database (PMID: 32461654). The variant has been reported in ClinVar (Variation ID 477044). Functional studies have not been performed, and in silico predictions of the variant's effect on protein function are inconclusive. The evidence is insufficient to meet ACMG/AMP criteria for classifying the variant as benign or pathogenic. Thus, the clinical significance of this variant is currently uncertain.

PreventionGenetics, part of Exact Sciences
Classification: Uncertain significance for DICER1-related condition. Last evaluated: 2024-02-20. Review status: no assertion criteria provided. Collection method: clinical testing. Allele origin: germline. Not counted in ClinVar's aggregate classification.
Comment: The DICER1 c.1469G>A variant is predicted to result in the amino acid substitution p.Arg490His. To our knowledge, this variant has not been reported in the literature. This variant is reported in 0.0028% of alleles in individuals of Latino descent in gnomAD, indicating it is rare. This variant is interpreted as uncertain in ClinVar. At this time, the clinical significance of this variant is uncertain due to the absence of conclusive functional and genetic evidence.

NM_177438.3(DICER1):c.1469G>A (p.Arg490His)

Gene: DICER1 (dicer 1, ribonuclease III; minus strand). Cytogenetic location: 14q32.13.
Variant type: single nucleotide variant.
Coding change: c.1469G>A on transcript NM_177438.3 (MANE Select); coding-DNA position 1469, G replaced by A.
Protein change: p.Arg490His; replaces arginine 490 with histidine.
Molecular consequence: missense variant.
Genome position (GRCh38, 1-based): chr14:95,117,662, C>T on the plus strand (G>A on the coding strand, the complement: DICER1 is on the minus strand). VCF-style: chr14-95117662-C-T. GRCh37 (hg19) VCF-style: chr14-95583999-C-T.
Other names: c.1469G>A, p.Arg490His (NM_001195573.1, NM_001271282.3, NM_001291628.2 and 1 more transcripts); short protein forms R490H.
Identifiers: ClinVar variation 477044 (VCV000477044.19), dbSNP rs1006363970, ClinGen allele CA390885503.
Genomic context (GRCh38, chr14:95,117,662, plus strand): 5'-CTTATTTTGATTTAAGTTACCTCTTCCTGTTTTCTGAATTCTGCTTCCATCTGTTTGTTG[C>T]GAGGCTGATTCTTCCCAATGCCATGTCCAGTTATGAAATTGCTACTGATATAAGCCAGCT-3'
Protein context (NP_803187.1, residues 480-500): TGHGIGKNQP[Arg490His]NKQMEAEFRK